The following is an entry in ClinVar:

ClinVar aggregate classification (germline): Uncertain significance (1 of 4 stars; one submission).

Conditions:
ADCY3-related disorder. Also called: ADCY3-related condition.

gnomAD v4.1: 79 of 1,614,100 alleles (0.0049%); highest among the groups gnomAD compares: Admixed American, 0.045%; no homozygotes.

Submission:

PreventionGenetics, part of Exact Sciences
Classification: Uncertain significance for ADCY3-related condition. Last evaluated: 2026-07-07. Review status: criteria provided, single submitter. Criteria: ACMG Guidelines, 2015. Collection method: clinical testing. Allele origin: germline.
Comment: The ADCY3 c.2356G>A variant is predicted to result in the amino acid substitution p.Ala786Thr. To our knowledge, this variant has not been reported in the literature. This variant is reported in 0.056% of alleles in individuals of Latino descent in gnomAD. Although we suspect that this variant may be benign, at this time, the clinical significance of this variant is uncertain due to the absence of conclusive functional and genetic evidence.

NM_004036.5(ADCY3):c.2356G>A (p.Ala786Thr)

Gene: ADCY3 (adenylate cyclase 3; minus strand). Cytogenetic location: 2p23.3.
Variant type: single nucleotide variant.
Coding change: c.2356G>A on transcript NM_004036.5 (MANE Select); coding-DNA position 2356, G replaced by A.
Protein change: p.Ala786Thr; replaces alanine 786 with threonine.
Molecular consequence: missense variant. On other transcripts: intron variant (1).
Genome position (GRCh38, 1-based): chr2:24,827,978, C>T on the plus strand (G>A on the coding strand, the complement: ADCY3 is on the minus strand). VCF-style: chr2-24827978-C-T. GRCh37 (hg19) VCF-style: chr2-25050847-C-T.
Other names: c.2356G>A, p.Ala786Thr (NM_001320613.2, NM_001377132.1); c.2422G>A, p.Ala808Thr (NM_001377128.1); c.2218G>A, p.Ala740Thr (NM_001377129.1); c.1633G>A, p.Ala545Thr (NM_001377131.1); c.2172+2731G>A (NM_001377130.1); short protein forms A545T, A740T, A786T, A808T.
Identifiers: ClinVar variation 3352604 (VCV003352604.2).